The following is an entry in ClinVar:

ClinVar aggregate classification (germline): Likely pathogenic (1 of 4 stars; one submission).

Conditions:
Hereditary cancer-predisposing syndrome. Also called: Neoplastic Syndromes, Hereditary; Tumor predisposition; Hereditary neoplastic syndrome; Hereditary Cancer Syndrome. Identifiers: Orphanet 140162, MedGen C0027672, MeSH D009386, MONDO:0015356.

Submission:

Ambry Genetics
Classification: Likely pathogenic for Hereditary cancer-predisposing syndrome. Last evaluated: 2026-08-20. Review status: criteria provided, single submitter. Criteria: Ambry Variant Classification Scheme 2023. Collection method: clinical testing. Allele origin: germline.
Comment: The p.*3057Rext*29 variant (also known as c.9169T>A), located in coding exon 62 of the ATM gene, results from a T to A substitution at nucleotide position 9169. This variant disrupts the stop codon and is predicted to preserve the native sequence while resulting in the elongation of the protein by 29 amino acids. This variant is considered to be rare based on population cohorts in the Genome Aggregation Database (gnomAD). Based on the majority of available evidence to date, this variant is likely to be pathogenic.

NM_000051.4(ATM):c.9169T>A (p.Ter3057Arg)

Genes: ATM (ATM serine/threonine kinase; plus strand), C11orf65 (chromosome 11 open reading frame 65; minus strand). Cytogenetic location: 11q22.3.
Variant type: single nucleotide variant.
Coding change: c.9169T>A on transcript NM_000051.4 (MANE Select); coding-DNA position 9169, T replaced by A.
Protein change: p.Ter3057Arg.
Molecular consequence: stop lost. On other transcripts: intron variant (2).
Genome position (GRCh38, 1-based): chr11:108,365,506, T>A. VCF-style: chr11-108365506-T-A. GRCh37 (hg19) VCF-style: chr11-108236233-T-A.
Other names: c.9169T>A, p.Ter3057Arg (NM_001351834.2); c.640+20414A>T (NM_001330368.2); c.694+20414A>T (NM_001351110.2).
Identifiers: ClinVar variation 5031961 (VCV005031961.1).